The following is an entry in ClinVar:

NM_012144.4(DNAI1):c.634C>T (p.Gln212Ter)

Gene: DNAI1 (dynein axonemal intermediate chain 1; plus strand). Cytogenetic location: 9p13.3.
Variant type: single nucleotide variant.
Coding change: c.634C>T on transcript NM_012144.4 (MANE Select); coding-DNA position 634, C replaced by T.
Protein change: p.Gln212Ter; replaces glutamine 212 with a stop codon.
Molecular consequence: nonsense.
Genome position (GRCh38, 1-based): chr9:34,491,507, C>T. VCF-style: chr9-34491507-C-T. GRCh37 (hg19) VCF-style: chr9-34491505-C-T.
Other names: c.646C>T, p.Gln216Ter (NM_001281428.2); short protein forms Q212*, Q216*.
Identifiers: ClinVar variation 2905275 (VCV002905275.3), dbSNP rs2492038105, ClinGen allele CA373248588.

ClinVar aggregate classification (germline): Pathogenic (1 of 4 stars; one submission).

Conditions:
Primary ciliary dyskinesia. Also called: Ciliary dyskinesia. Identifiers: Orphanet 244, MedGen C0008780, MONDO:0016575, HP:0012265.

Submission:

Labcorp Genetics (formerly Invitae), Labcorp
Classification: Pathogenic for Primary ciliary dyskinesia. Last evaluated: 2023-05-05. Review status: criteria provided, single submitter. Criteria: Invitae Variant Classification Sherloc (09022015). Collection method: clinical testing. Allele origin: germline.
Comment: For these reasons, this variant has been classified as Pathogenic. This variant has not been reported in the literature in individuals affected with DNAI1-related conditions. This variant is not present in population databases (gnomAD no frequency). This sequence change creates a premature translational stop signal (p.Gln212*) in the DNAI1 gene. It is expected to result in an absent or disrupted protein product. Loss-of-function variants in DNAI1 are known to be pathogenic (PMID: 16858015, 29363216).

Literature cited by the submitters: PubMed 16858015; PubMed 29363216.